The following is an entry in ClinVar:

ClinVar aggregate classification (germline): Uncertain significance (1 of 4 stars; one submission).

Conditions:
Baller-Gerold syndrome (BGS). Also called: CRANIOSYNOSTOSIS WITH RADIAL DEFECTS. Identifiers: Orphanet 1225, MedGen C0265308, MONDO:0009039, OMIM 218600.

gnomAD v4.1: 2 of 1,603,386 alleles (0.00012%); highest among the groups gnomAD compares: South Asian, 0.0011%; no homozygotes.

Submission:

Labcorp Genetics (formerly Invitae), Labcorp
Classification: Uncertain significance for Baller-Gerold syndrome. Last evaluated: 2021-12-20. Review status: criteria provided, single submitter. Criteria: Invitae Variant Classification Sherloc (09022015). Collection method: clinical testing. Allele origin: germline.
Comment: In summary, the available evidence is currently insufficient to determine the role of this variant in disease. Therefore, it has been classified as a Variant of Uncertain Significance. Experimental studies and prediction algorithms are not available or were not evaluated, and the functional significance of this variant is currently unknown. This variant has not been reported in the literature in individuals affected with RECQL4-related conditions. This variant is present in population databases (no rsID available, gnomAD 0.003%). This sequence change replaces arginine, which is basic and polar, with glycine, which is neutral and non-polar, at codon 784 of the RECQL4 protein (p.Arg784Gly).

NM_004260.4(RECQL4):c.2350C>G (p.Arg784Gly)

Gene: RECQL4 (RecQ like helicase 4; minus strand). Cytogenetic location: 8q24.3.
Variant type: single nucleotide variant.
Coding change: c.2350C>G on transcript NM_004260.4 (MANE Select); coding-DNA position 2350, C replaced by G.
Protein change: p.Arg784Gly; replaces arginine 784 with glycine.
Molecular consequence: missense variant.
Genome position (GRCh38, 1-based): chr8:144,513,331, G>C on the plus strand (C>G on the coding strand, the complement: RECQL4 is on the minus strand). VCF-style: chr8-144513331-G-C. GRCh37 (hg19) VCF-style: chr8-145738714-G-C.
Other names: c.2350C>G, p.Arg784Gly (NM_001413019.1, NM_001413036.1); c.2254C>G, p.Arg752Gly (NM_001413020.1); c.1279C>G, p.Arg427Gly (NM_001413021.1, NM_001413022.1, NM_001413023.1 and 5 more transcripts); c.2221C>G, p.Arg741Gly (NM_001413025.1); c.1213C>G, p.Arg405Gly (NM_001413027.1, NM_001413041.1, NM_001413030.1 and 1 more transcripts); c.1999C>G, p.Arg667Gly (NM_001413029.1); c.1249C>G, p.Arg417Gly (NM_001413042.1); c.883C>G, p.Arg295Gly (NM_001413043.1); and 4 more; short protein forms R295G, R383G, R427G, R740G, R752G, R784G, R667G, R774G.
Identifiers: ClinVar variation 2147393 (VCV002147393.4), dbSNP rs753386714, ClinGen allele CA372678300.